The following is an entry in ClinVar:

NM_000503.6(EYA1):c.1260G>T (p.Leu420Phe)

Gene: EYA1 (EYA transcriptional coactivator and phosphatase 1; minus strand). Cytogenetic location: 8q13.3.
Variant type: single nucleotide variant.
Coding change: c.1260G>T on transcript NM_000503.6 (MANE Select); coding-DNA position 1260, G replaced by T.
Protein change: p.Leu420Phe; replaces leucine 420 with phenylalanine.
Molecular consequence: missense variant.
Genome position (GRCh38, 1-based): chr8:71,216,792, C>A on the plus strand (G>T on the coding strand, the complement: EYA1 is on the minus strand). VCF-style: chr8-71216792-C-A. GRCh37 (hg19) VCF-style: chr8-72129027-C-A.
Other names: c.1242G>T, p.Leu414Phe (NM_001288574.2, NM_172059.5); c.894G>T, p.Leu298Phe (NM_001288575.2); c.1347G>T, p.Leu449Phe (NM_001370333.1); c.1260G>T, p.Leu420Phe (NM_001370334.1, NM_001370335.1, NM_172058.4); c.1239G>T, p.Leu413Phe (NM_001370336.1); c.1161G>T, p.Leu387Phe (NM_001411797.1, NM_172060.4); short protein forms L298F, L387F, L413F, L414F, L420F, L449F.
Identifiers: ClinVar variation 3359783 (VCV003359783.2).

ClinVar aggregate classification (germline): Uncertain significance. Review status: criteria provided, multiple submitters, no conflicts (2 of 4 stars). 2 submissions from 2 submitters: Uncertain significance (2). Last evaluated 2025-04-07.

Conditions:
Inborn genetic diseases. Identifiers: MedGen C0950123, MeSH D030342.

gnomAD v4.1: 3 of 1,613,956 alleles (0.00019%); highest among the groups gnomAD compares: Non-Finnish European, 0.00025%; no homozygotes.

Submissions (2):

Ambry Genetics
Classification: Uncertain significance for Inborn genetic diseases. Last evaluated: 2025-04-07. Review status: criteria provided, single submitter. Criteria: Ambry Variant Classification Scheme 2023. Collection method: clinical testing. Allele origin: germline.

GeneDx
Classification: Uncertain significance. Last evaluated: 2023-06-14. Review status: criteria provided, single submitter. Criteria: GeneDx Variant Classification Process June 2021. Collection method: clinical testing. Allele origin: germline. Affected: yes.
Comment: Has not been previously published as pathogenic or benign to our knowledge; In silico analysis supports that this missense variant has a deleterious effect on protein structure/function; Not observed at significant frequency in large population cohorts (gnomAD)